The following is an entry in ClinVar:

NM_001372.4(DNAH9):c.9113A>G (p.Tyr3038Cys)

Gene: DNAH9 (dynein axonemal heavy chain 9; plus strand). Cytogenetic location: 17p12.
Variant type: single nucleotide variant.
Coding change: c.9113A>G on transcript NM_001372.4 (MANE Select); coding-DNA position 9113, A replaced by G.
Protein change: p.Tyr3038Cys; replaces tyrosine 3038 with cysteine.
Molecular consequence: missense variant.
Genome position (GRCh38, 1-based): chr17:11,822,901, A>G. VCF-style: chr17-11822901-A-G. GRCh37 (hg19) VCF-style: chr17-11726218-A-G.
Other names: c.9113A>G (NM_001372.3); short protein forms Y3038C.
Identifiers: ClinVar variation 2058626 (VCV002058626.3), dbSNP rs760739383, ClinGen allele CA8397137.

ClinVar aggregate classification (germline): Uncertain significance. Review status: criteria provided, multiple submitters, no conflicts (2 of 4 stars). 2 submissions from 2 submitters: Uncertain significance (2). Last evaluated 2025-08-08.

Conditions:
Inborn genetic diseases. Identifiers: MedGen C0950123, MeSH D030342.

Allele frequency attached by ClinVar (database versions not stated): gnomAD 0.00003; TOPMed 0.00003; ExAC 0.00004; gnomAD exomes 0.00005.
gnomAD v4.1: 80 of 1,614,122 alleles (0.005%); highest among the groups gnomAD compares: Non-Finnish European, 0.0063%; no homozygotes.

Submissions (2):

Ambry Genetics
Classification: Uncertain significance for Inborn genetic diseases. Last evaluated: 2025-08-08. Review status: criteria provided, single submitter. Criteria: Ambry Variant Classification Scheme 2023. Collection method: clinical testing. Allele origin: germline.

Labcorp Genetics (formerly Invitae), Labcorp
Classification: Uncertain significance. Last evaluated: 2024-12-10. Review status: criteria provided, single submitter. Criteria: Invitae Variant Classification Sherloc (09022015). Collection method: clinical testing. Allele origin: germline.
Comment: This sequence change replaces tyrosine, which is neutral and polar, with cysteine, which is neutral and slightly polar, at codon 3038 of the DNAH9 protein (p.Tyr3038Cys). This variant is present in population databases (rs760739383, gnomAD 0.005%). This variant has not been reported in the literature in individuals affected with DNAH9-related conditions. ClinVar contains an entry for this variant (Variation ID: 2058626). Invitae Evidence Modeling of protein sequence and biophysical properties (such as structural, functional, and spatial information, amino acid conservation, physicochemical variation, residue mobility, and thermodynamic stability) has been performed for this missense variant. However, the output from this modeling did not meet the statistical confidence thresholds required to predict the impact of this variant on DNAH9 protein function. In summary, the available evidence is currently insufficient to determine the role of this variant in disease. Therefore, it has been classified as a Variant of Uncertain Significance.